The following is an entry in ClinVar:

ClinVar aggregate classification (germline): Benign. Review status: criteria provided, multiple submitters, no conflicts (2 of 4 stars). 10 submissions from 9 submitters: Benign (9). 1 of the submissions does not count toward it. Last evaluated 2026-02-04.

Conditions:
Jeune thoracic dystrophy. Also called: Jeune syndrome; Infantile thoracic dystrophy; Thoracic pelvic phalangeal dystrophy; Jeune's syndrome; Chondroectodermal dysplasia-like syndrome; Short-rib thoracic dysplasia. Identifiers: Orphanet 474, MedGen C0265275, MONDO:0018770.
Nephronophthisis. Also called: Juvenile Nephronophthisis. Identifiers: Orphanet 655, MedGen C0687120, MONDO:0019005, HP:0000090.
Nephronophthisis 12 (NPHP12). Identifiers: Orphanet 655, MedGen C3151186, MONDO:0013442, OMIM 613820.
Asphyxiating thoracic dystrophy 4 (SRTD4). Also called: SHORT-RIB THORACIC DYSPLASIA 4 WITH OR WITHOUT POLYDACTYLY; SHORT-RIB THORACIC DYSPLASIA 4. Identifiers: Orphanet 474, MedGen C3151185, MONDO:0013441, OMIM 613819.

Allele frequency attached by ClinVar (database versions not stated): ESP Exome Variant Server 0.60203; gnomAD 0.61903 and 0.62402; gnomAD exomes 0.62444 and 0.66401; TOPMed 0.62805; ExAC 0.65679; 1000 Genomes Project 30x 0.66349; 1000 Genomes Project 0.66733.
gnomAD v4.1: 1,007,253 of 1,613,424 alleles (62%); highest among the groups gnomAD compares: East Asian, 81%; 316,920 homozygotes.

Submissions (10):

Labcorp Genetics (formerly Invitae), Labcorp
Classification: Benign for Jeune thoracic dystrophy; Nephronophthisis. Last evaluated: 2026-02-04. Review status: criteria provided, single submitter. Criteria: Invitae Variant Classification Sherloc (09022015). Collection method: clinical testing. Allele origin: germline.

Blueprint Genetics
Classification: Benign. Last evaluated: 2024-11-26. Review status: criteria provided, single submitter. Criteria: ACMG Guidelines, 2015. Collection method: clinical testing. Allele origin: germline.

Mayo Clinic Laboratories, Mayo Clinic
Classification: Benign. Last evaluated: 2022-03-09. Review status: criteria provided, single submitter. Criteria: ACMG Guidelines, 2015. Collection method: clinical testing. Allele origin: germline. Observed: 206 variant alleles.

Genome-Nilou Lab
Classification: Benign for Asphyxiating thoracic dystrophy 4. Last evaluated: 2021-09-10. Review status: criteria provided, single submitter. Criteria: ACMG Guidelines, 2015. Collection method: clinical testing. Allele origin: germline. Affected: no.

Illumina Laboratory Services, Illumina
Classification: Benign for Asphyxiating thoracic dystrophy 4. Last evaluated: 2018-01-13. Review status: criteria provided, single submitter. Criteria: ICSL Variant Classification Criteria 13 December 2019. Collection method: clinical testing. Allele origin: germline.
Comment: This variant was observed in the ICSL laboratory as part of a predisposition screen in an ostensibly healthy population. It had not been previously curated by ICSL or reported in the Human Gene Mutation Database (HGMD: prior to June 1st, 2018), and was therefore a candidate for classification through an automated scoring system. Utilizing variant allele frequency, disease prevalence and penetrance estimates, and inheritance mode, an automated score was calculated to assess if this variant is too frequent to cause the disease. Based on the score and internal cut-off values, a variant classified as benign is not then subjected to further curation. The score for this variant resulted in a classification of benign for this disease.

Illumina Laboratory Services, Illumina
Classification: Benign for Nephronophthisis 12. Last evaluated: 2018-01-13. Review status: criteria provided, single submitter. Criteria: ICSL Variant Classification Criteria 13 December 2019. Collection method: clinical testing. Allele origin: germline.
Comment: the same text as in the submission from Illumina Laboratory Services, Illumina above.

GeneDx
Classification: Benign. Last evaluated: 2016-01-08. Review status: criteria provided, single submitter. Criteria: GeneDx Variant Classification (06012015). Collection method: clinical testing. Allele origin: germline. Affected: yes.
Comment: This variant is considered likely benign or benign based on one or more of the following criteria: it is a conservative change, it occurs at a poorly conserved position in the protein, it is predicted to be benign by multiple in silico algorithms, and/or has population frequency not consistent with disease.

Breakthrough Genomics
Classification: Benign. Review status: criteria provided, single submitter. Criteria: ACMG Guidelines, 2015. Collection method: not provided. Allele origin: germline. Inheritance: Autosomal recessive inheritance. Affected: yes.

PreventionGenetics, part of Exact Sciences
Classification: Benign. Review status: criteria provided, single submitter. Criteria: ACMG Guidelines, 2015. Collection method: clinical testing. Allele origin: germline.

Genetic Services Laboratory, University of Chicago
Classification: Likely benign for AllHighlyPenetrant. Review status: no assertion criteria provided. Collection method: clinical testing. Allele origin: germline. Inheritance: Autosomal recessive inheritance. Not counted in ClinVar's aggregate classification.
Comment: Likely benign based on allele frequency in 1000 Genomes Project or ESP global frequency and its presence in a patient with a rare or unrelated disease phenotype. NOT Sanger confirmed.

NM_024753.5(TTC21B):c.601G>A (p.Val201Met)

Genes: TTC21B (tetratricopeptide repeat domain 21B; minus strand), TTC21B-AS1 (TTC21B antisense RNA 1; plus strand). Cytogenetic location: 2q24.3.
Variant type: single nucleotide variant.
Coding change: c.601G>A on transcript NM_024753.5 (MANE Select); coding-DNA position 601, G replaced by A.
Protein change: p.Val201Met; replaces valine 201 with methionine.
Molecular consequence: missense variant.
Genome position (GRCh38, 1-based): chr2:165,941,136, C>T on the plus strand (G>A on the coding strand, the complement: TTC21B is on the minus strand). VCF-style: chr2-165941136-C-T. GRCh37 (hg19) VCF-style: chr2-166797646-C-T.
Other names: short protein forms V201M.
Identifiers: ClinVar variation 130657 (VCV000130657.25), dbSNP rs1432273, ClinGen allele CA155854.